The following is an entry in ClinVar:

ClinVar aggregate classification (germline): Pathogenic (1 of 4 stars; one submission).

Conditions:
Neurodevelopmental disorder with hypotonia, stereotypic hand movements, and impaired language. Also called: Intellectual disability, autosomal dominant 20. Identifiers: Orphanet 228384, Orphanet 664410, MedGen C3150700, MONDO:0013266, OMIM 613443.

Submission:

Broad Center for Mendelian Genomics, Broad Institute of MIT and Harvard
Classification: Pathogenic for Neurodevelopmental disorder with hypotonia, stereotypic hand movements, and impaired language. Last evaluated: 2023-08-24. Review status: criteria provided, single submitter. Criteria: ACMG/ClinGen CNV Guidelines, 2019. Collection method: research. Allele origin: de novo. Inheritance: Autosomal dominant inheritance. Affected: yes.
Comment: These breakpoints have been estimated by exome sequencing only and therefore may not reflect the true breakpoints. The patient phenotype is nonspecific, but is consistent with cases described in the literature and/or published databases with overlapping variants. There is complete overlap with the MEF2C and NR2F1 genes which are known to be haploinsufficient and have been assessed by the ClinGen Dosage Sensitivity Working Group. In summary, this variant meets criteria to be classified as pathogenic for autosomal dominant chromosome 5q14.3 deletion syndrome. The ACMG/ClinGen evidence codes and points used in this curation are as follows: 1: 0 points, 2: 1.00 points, 3: 0 points, 4-5: 0.15 points; Total: 1.15 points; Riggs 2020 (PMID: 31690835)

GRCh38/hg38 5q14.3-15(chr5:88189536-93784597)x1

Genes: ADGRV1 (adhesion G protein-coupled receptor V1; plus strand), ARB2A (ARB2 cotranscriptional regulator A; minus strand), ARRDC3 (arrestin domain containing 3; minus strand), ARRDC3-AS1 (ARRDC3 antisense RNA 1; plus strand), CETN3 (centrin 3; minus strand) and 114 more. Cytogenetic location: 5q14.3-15.
Variant type: copy number loss.
Change: copy number 1 (one copy instead of two) of chr5:88,189,536-93,784,597 (5.60 Mb, GRCh38 coordinates, 1-based), cytogenetic band 5q14.3-15.
Identifiers: ClinVar variation 2579178 (VCV002579178.1).